The following is an entry in ClinVar:

ClinVar aggregate classification (germline): Pathogenic. Review status: criteria provided, multiple submitters, no conflicts (2 of 4 stars). 2 submissions from 2 submitters: Pathogenic (2). Last evaluated 2024-11-02.

Conditions:
Capillary malformation-arteriovenous malformation 1 (CMAVM1). Identifiers: Orphanet 137667, Orphanet 693907, MedGen C4747394, MONDO:0020783, OMIM 608354.
Capillary malformation-arteriovenous malformation syndrome. Also called: Capillary malformation-arteriovenous malformation. Identifiers: Orphanet 137667, MedGen C1842180, MONDO:0012016.

Submissions (2):

Labcorp Genetics (formerly Invitae), Labcorp
Classification: Pathogenic for Capillary malformation-arteriovenous malformation syndrome. Last evaluated: 2024-11-02. Review status: criteria provided, single submitter. Criteria: Invitae Variant Classification Sherloc (09022015). Collection method: clinical testing. Allele origin: germline.
Comment: This sequence change creates a premature translational stop signal (p.Tyr872*) in the RASA1 gene. It is expected to result in an absent or disrupted protein product. Loss-of-function variants in RASA1 are known to be pathogenic (PMID: 24038909). This variant is not present in population databases (gnomAD no frequency). This variant has not been reported in the literature in individuals affected with RASA1-related conditions. Algorithms developed to predict the effect of sequence changes on RNA splicing suggest that this variant may disrupt the consensus splice site. For these reasons, this variant has been classified as Pathogenic.

Clinical Genomics Laboratory, Washington University in St. Louis
Classification: Pathogenic for Capillary malformation-arteriovenous malformation 1. Last evaluated: 2024-10-29. Review status: criteria provided, single submitter. Criteria: ACMG Guidelines, 2015. Collection method: clinical testing. Allele origin: germline. Affected: yes.
Comment: A RASA1 c.2616T>G (p.Tyr872*) variant was identified at a near heterozygous allelic fraction of 46.74%, a frequency that may be consistent with germline origin. This variant has been reported in two individuals from one family affected with cutaneous vascular lesions (Zhao S et al., PMID: 37978175). This variant is absent from the general population (gnomAD v.4.1.0), indicating it is not a common variant. The RASA1 c.2616T>G (p.Tyr872*) variant causes a premature termination codon, which is predicted to result in nonsense-mediated decay, in a gene where loss of function is a known mechanism of disease (Revencu N et al., PMID: 24038909). Based on available information and the ACMG/AMP guidelines for variant interpretation (Richards S et al., PMID: 25741868), this variant is classified as pathogenic.

Literature cited by the submitters: PubMed 24038909 (cited by Labcorp Genetics (formerly Invitae), Labcorp).

NM_002890.3(RASA1):c.2616T>G (p.Tyr872Ter)

Genes: CCNH (cyclin H; minus strand), RASA1 (RAS p21 protein activator 1; plus strand). Cytogenetic location: 5q14.3.
Variant type: single nucleotide variant.
Coding change: c.2616T>G on transcript NM_002890.3 (MANE Select); coding-DNA position 2616, T replaced by G.
Protein change: p.Tyr872Ter; replaces tyrosine 872 with a stop codon.
Molecular consequence: nonsense. On other transcripts: intron variant (1).
Genome position (GRCh38, 1-based): chr5:87,380,521, T>G. VCF-style: chr5-87380521-T-G. GRCh37 (hg19) VCF-style: chr5-86676338-T-G.
Other names: c.2085T>G, p.Tyr695Ter (NM_022650.3); c.933+14523A>C (NM_001364075.2); short protein forms Y695*, Y872*.
Identifiers: ClinVar variation 3600447 (VCV003600447.3).